The following is an entry in ClinVar:

NM_001429.4(EP300):c.4016T>C (p.Met1339Thr)

Gene: EP300 (E1A binding protein p300; plus strand). Cytogenetic location: 22q13.2.
Variant type: single nucleotide variant.
Coding change: c.4016T>C on transcript NM_001429.4 (MANE Select); coding-DNA position 4016, T replaced by C.
Protein change: p.Met1339Thr; replaces methionine 1339 with threonine.
Molecular consequence: missense variant.
Genome position (GRCh38, 1-based): chr22:41,168,590, T>C. VCF-style: chr22-41168590-T-C. GRCh37 (hg19) VCF-style: chr22-41564594-T-C.
Other names: c.3938T>C, p.Met1313Thr (NM_001362843.2); short protein forms M1339T, M1313T.
Identifiers: ClinVar variation 422178 (VCV000422178.2), dbSNP rs1064795607, ClinGen allele CA16621126.

ClinVar aggregate classification (germline): Likely pathogenic (1 of 4 stars; one submission).

Submission:

GeneDx
Classification: Likely pathogenic. Last evaluated: 2016-09-09. Review status: criteria provided, single submitter. Criteria: GeneDx Variant Classification (06012015). Collection method: clinical testing. Allele origin: germline. Affected: yes.
Comment: The M1339T variant in the EP300 gene has not been reported previously as a pathogenic variant, nor as a benign variant, to our knowledge. The M1339T variant was not observed in approximately 6500 individuals of European and African American ancestry in the NHLBI Exome Sequencing Project, indicating it is not a common benign variant in these populations. The M1339T variant is a non-conservative amino acid substitution, which is likely to impact secondary protein structure as these residues differ in polarity, charge, size and/or other properties. This substitution occurs at aposition that is conserved across species. In silico analysis predicts this variant is probably damaging to the protein structure/function. The M1339T variant is a strong candidate for a pathogenic variant.